The following is an entry in ClinVar:

ClinVar aggregate classification (germline): Uncertain significance (1 of 4 stars; one submission).

Conditions:
Neuronal ceroid lipofuscinosis. Also called: Neuronal Ceroid Lipofuscinoses. Identifiers: Orphanet 216, Orphanet 79263, MedGen C0027877, MONDO:0016295. Disease mechanism: loss of function.

Submission:

Labcorp Genetics (formerly Invitae), Labcorp
Classification: Uncertain significance for Neuronal ceroid lipofuscinosis. Last evaluated: 2022-03-04. Review status: criteria provided, single submitter. Criteria: Invitae Variant Classification Sherloc (09022015). Collection method: clinical testing. Allele origin: germline.
Comment: This sequence change replaces methionine, which is neutral and non-polar, with isoleucine, which is neutral and non-polar, at codon 122 of the CLN6 protein (p.Met122Ile). This variant is not present in population databases (gnomAD no frequency). This variant has not been reported in the literature in individuals affected with CLN6-related conditions. Algorithms developed to predict the effect of missense changes on protein structure and function are either unavailable or do not agree on the potential impact of this missense change (SIFT: "Deleterious"; PolyPhen-2: "Probably Damaging"; Align-GVGD: "Class C0"). In summary, the available evidence is currently insufficient to determine the role of this variant in disease. Therefore, it has been classified as a Variant of Uncertain Significance.

NM_017882.3(CLN6):c.366G>C (p.Met122Ile)

Gene: CLN6 (CLN6 transmembrane ER protein; minus strand). Cytogenetic location: 15q23.
Variant type: single nucleotide variant.
Coding change: c.366G>C on transcript NM_017882.3 (MANE Select); coding-DNA position 366, G replaced by C.
Protein change: p.Met122Ile; replaces methionine 122 with isoleucine.
Molecular consequence: missense variant.
Genome position (GRCh38, 1-based): chr15:68,211,795, C>G on the plus strand (G>C on the coding strand, the complement: CLN6 is on the minus strand). VCF-style: chr15-68211795-C-G. GRCh37 (hg19) VCF-style: chr15-68504133-C-G.
Other names: c.462G>C, p.Met154Ile (NM_001411068.1); short protein forms M122I, M154I.
Identifiers: ClinVar variation 2106892 (VCV002106892.4), dbSNP rs2505409502, ClinGen allele CA392973560.